The following is an entry in ClinVar:

NM_007194.4(CHEK2):c.1137T>C (p.Ser379=)

Gene: CHEK2 (checkpoint kinase 2; minus strand). Cytogenetic location: 22q12.1.
Variant type: single nucleotide variant.
Coding change: c.1137T>C on transcript NM_007194.4 (MANE Select); coding-DNA position 1137, T replaced by C.
Protein change: p.Ser379=; no amino-acid change (serine 379 retained).
Molecular consequence: synonymous variant.
Genome position (GRCh38, 1-based): chr22:28,695,832, A>G on the plus strand (T>C on the coding strand, the complement: CHEK2 is on the minus strand). VCF-style: chr22-28695832-A-G. GRCh37 (hg19) VCF-style: chr22-29091820-A-G.
Other names: c.1266T>C, p.Ser422= (NM_001005735.3); c.474T>C, p.Ser158= (NM_001257387.3); c.936T>C, p.Ser312= (NM_001349956.3); c.1050T>C, p.Ser350= (NM_145862.3); c.1137T>C (NM_007194.3).
Identifiers: ClinVar variation 3773189 (VCV003773189.2).

ClinVar aggregate classification (germline): Benign/Likely benign. Review status: criteria provided, multiple submitters, no conflicts (2 of 4 stars). 2 submissions from 2 submitters: Benign (1); Likely benign (1). Last evaluated 2026-04-02.

Conditions:
Hereditary cancer-predisposing syndrome. Also called: Hereditary Cancer Syndrome; Hereditary neoplastic syndrome; Neoplastic Syndromes, Hereditary; Tumor predisposition. Identifiers: Orphanet 140162, MedGen C0027672, MeSH D009386, MONDO:0015356.
Familial cancer of breast. Also called: hereditary breast carcinoma; BREAST CANCER, FAMILIAL; Hereditary breast cancer. Identifiers: Orphanet 227535, MedGen C0346153, MONDO:0016419, OMIM 114480. Disease mechanism: loss of function.

Submissions (2):

Ambry Genetics
Classification: Likely benign for Hereditary cancer-predisposing syndrome. Last evaluated: 2026-04-02. Review status: criteria provided, single submitter. Criteria: Ambry Variant Classification Scheme 2023. Collection method: clinical testing. Allele origin: germline.

Myriad Genetics, Inc.
Classification: Benign for Familial cancer of breast. Last evaluated: 2024-10-04. Review status: criteria provided, single submitter. Criteria: Myriad Autosomal Dominant, Autosomal Recessive and X-Linked Classification Criteria (2023). Collection method: clinical testing. Allele origin: unknown.
Comment: This variant is considered benign. This variant is a silent/synonymous amino acid change and it is not expected to impact splicing.